The following is an entry in ClinVar:

NM_004958.4(MTOR):c.5187G>T (p.Gln1729His)

Gene: MTOR (mechanistic target of rapamycin kinase; minus strand). Cytogenetic location: 1p36.22.
Variant type: single nucleotide variant.
Coding change: c.5187G>T on transcript NM_004958.4 (MANE Select); coding-DNA position 5187, G replaced by T.
Protein change: p.Gln1729His; replaces glutamine 1729 with histidine.
Molecular consequence: missense variant.
Genome position (GRCh38, 1-based): chr1:11,134,410, C>A on the plus strand (G>T on the coding strand, the complement: MTOR is on the minus strand). VCF-style: chr1-11134410-C-A. GRCh37 (hg19) VCF-style: chr1-11194467-C-A.
Other names: short protein forms Q1729H.
Identifiers: ClinVar variation 696545 (VCV000696545.14), dbSNP rs140288227, ClinGen allele CA589424.
Genomic context (GRCh38, chr1:11,134,410, plus strand): 5'-CCGGGCCATGAGCTTGTGCAGTTCCTGCTTATGCTGCTGGTCCTCAGTAGCGATGGCATG[C>A]TGGGCCTGTTGCTGCATGGTCTGGACAAAATGCTGCATGTGCTGGAAGGCATCGATCTGT-3'
Protein context (NP_004949.1, residues 1719-1739): HFVQTMQQQA[Gln1729His]HAIATEDQQH

ClinVar aggregate classification (germline): Benign/Likely benign. Review status: criteria provided, multiple submitters, no conflicts (2 of 4 stars). 4 submissions from 4 submitters: Benign (1); Likely benign (2). 1 of the submissions does not count toward it. Last evaluated 2026-01-25.

Conditions:
MTOR-related disorder. Also called: MTOR-related condition.

Allele frequency attached by ClinVar (database versions not stated): gnomAD exomes 0.00004 and 0.00012; ExAC 0.00016; ESP Exome Variant Server 0.00046; 1000 Genomes Project 30x 0.00047; TOPMed 0.00049; gnomAD 0.00050 and 0.00053; 1000 Genomes Project 0.00060.
gnomAD v4.1: 137 of 1,614,202 alleles (0.0085%); highest among the groups gnomAD compares: African/African-American, 0.15%; no homozygotes.

Submissions (4):

Labcorp Genetics (formerly Invitae), Labcorp
Classification: Likely benign. Last evaluated: 2026-01-25. Review status: criteria provided, single submitter. Criteria: Invitae Variant Classification Sherloc (09022015). Collection method: clinical testing. Allele origin: germline.

Blueprint Genetics
Classification: Likely benign. Last evaluated: 2024-07-05. Review status: criteria provided, single submitter. Criteria: ACMG Guidelines, 2015. Collection method: clinical testing. Allele origin: germline.

GeneDx
Classification: Benign. Last evaluated: 2020-10-13. Review status: criteria provided, single submitter. Criteria: GeneDx Variant Classification Process June 2021. Collection method: clinical testing. Allele origin: germline. Affected: yes.

PreventionGenetics, part of Exact Sciences
Classification: Likely benign for MTOR-related condition. Last evaluated: 2024-09-16. Review status: no assertion criteria provided. Collection method: clinical testing. Allele origin: germline. Not counted in ClinVar's aggregate classification.
Comment: This variant is classified as likely benign based on ACMG/AMP sequence variant interpretation guidelines (Richards et al. 2015 PMID: 25741868, with internal and published modifications).